The following is an entry in ClinVar:

NM_000327.4(ROM1):c.325G>A (p.Ala109Thr)

Gene: ROM1 (retinal outer segment membrane protein 1; plus strand). Cytogenetic location: 11q12.3.
Variant type: single nucleotide variant.
Coding change: c.325G>A on transcript NM_000327.4 (MANE Select); coding-DNA position 325, G replaced by A.
Protein change: p.Ala109Thr; replaces alanine 109 with threonine.
Molecular consequence: missense variant.
Genome position (GRCh38, 1-based): chr11:62,613,606, G>A. VCF-style: chr11-62613606-G-A. GRCh37 (hg19) VCF-style: chr11-62381078-G-A.
Other names: short protein forms A109T.
Identifiers: ClinVar variation 1356498 (VCV001356498.8), dbSNP rs762335852, ClinGen allele CA6049701.
Genomic context (GRCh38, chr11:62,613,606, plus strand): 5'-AATGCAGCTCTATACCCTCCCTGGCGAGGGGTCCTGGGCCCGCTGCTGGTGGCTGGCACG[G>A]CTGGTGGGGGGGGGCTCCTGGTCGTCGGCCTCGGGCTAGCCCTGGCTTTGCCTGGGAGTC-3'
Protein context (NP_000318.2, residues 99-119): VLGPLLVAGT[Ala109Thr]GGGGLLVVGL

ClinVar aggregate classification (germline): Uncertain significance (1 of 4 stars; one submission).

Allele frequency attached by ClinVar (database versions not stated): gnomAD exomes below 0.00001 and 0.00001.

Submission:

Labcorp Genetics (formerly Invitae), Labcorp
Classification: Uncertain significance. Last evaluated: 2024-04-05. Review status: criteria provided, single submitter. Criteria: Invitae Variant Classification Sherloc (09022015). Collection method: clinical testing. Allele origin: germline.
Comment: This sequence change replaces alanine, which is neutral and non-polar, with threonine, which is neutral and polar, at codon 109 of the ROM1 protein (p.Ala109Thr). This variant is present in population databases (rs762335852, gnomAD 0.006%). This variant has not been reported in the literature in individuals affected with ROM1-related conditions. ClinVar contains an entry for this variant (Variation ID: 1356498). Advanced modeling of protein sequence and biophysical properties (such as structural, functional, and spatial information, amino acid conservation, physicochemical variation, residue mobility, and thermodynamic stability) performed at Invitae indicates that this missense variant is not expected to disrupt ROM1 protein function with a negative predictive value of 80%. In summary, the available evidence is currently insufficient to determine the role of this variant in disease. Therefore, it has been classified as a Variant of Uncertain Significance.